The following is an entry in ClinVar:

NM_000531.6(OTC):c.994T>C (p.Trp332Arg)

Gene: OTC (ornithine transcarbamylase; plus strand). Cytogenetic location: Xp11.4.
Variant type: single nucleotide variant.
Coding change: c.994T>C on transcript NM_000531.6 (MANE Select); coding-DNA position 994, T replaced by C.
Protein change: p.Trp332Arg; replaces tryptophan 332 with arginine.
Molecular consequence: missense variant.
Genome position (GRCh38, 1-based): chrX:38,411,988, T>C. VCF-style: chrX-38411988-T-C. GRCh37 (hg19) VCF-style: chrX-38271241-T-C.
Other names: c.994T>C, p.Trp332Arg (NM_001407092.1); short protein forms W332R.
Identifiers: ClinVar variation 4710732 (VCV004710732.1).

ClinVar aggregate classification (germline): Pathogenic (1 of 4 stars; one submission).

Conditions:
Ornithine carbamoyltransferase deficiency (OTCD). Also called: OTC DEFICIENCY; ORNITHINE TRANSCARBAMYLASE DEFICIENCY; Ornithine Carbamoyltransferase Deficiency Disease; ORNITHINE TRANSCARBAMYLASE DEFICIENCY, HYPERAMMONEMIA DUE TO. Identifiers: Orphanet 664, MedGen C0268542, MONDO:0010703, OMIM 311250.

Submission:

Labcorp Genetics (formerly Invitae), Labcorp
Classification: Pathogenic for Ornithine carbamoyltransferase deficiency. Last evaluated: 2025-09-29. Review status: criteria provided, single submitter. Criteria: Invitae Variant Classification Sherloc (09022015). Collection method: clinical testing. Allele origin: germline.
Comment: This sequence change replaces tryptophan, which is neutral and slightly polar, with arginine, which is basic and polar, at codon 332 of the OTC protein (p.Trp332Arg). This variant is not present in population databases (gnomAD no frequency). This missense change has been observed in individuals with clinical features of Ornithine transcarbamylase deficiency (PMID: 11180228, 34014569; internal data). Invitae Evidence Modeling of protein sequence and biophysical properties (such as structural, functional, and spatial information, amino acid conservation, physicochemical variation, residue mobility, and thermodynamic stability) indicates that this missense variant is expected to disrupt OTC protein function with a positive predictive value of 95%. Experimental studies have shown that this missense change affects OTC function (PMID: 37146589). This variant disrupts the p.Trp332 amino acid residue in OTC. Other variant(s) that disrupt this residue have been observed in individuals with OTC-related conditions (PMID: 25932215), which suggests that this may be a clinically significant amino acid residue. For these reasons, this variant has been classified as Pathogenic.

Literature cited by the submitters: PubMed 11180228; PubMed 34014569; PubMed 37146589; PubMed 25932215.